The following is an entry in ClinVar:

ClinVar aggregate classification (germline): Uncertain significance (1 of 4 stars; one submission).

Allele frequency attached by ClinVar (database versions not stated): gnomAD exomes 0.00001.
gnomAD v4.1: 3 of 1,613,808 alleles (0.00019%); highest among the groups gnomAD compares: East Asian, 0.0022%; no homozygotes.

Submission:

CeGaT Center for Human Genetics Tuebingen
Classification: Uncertain significance. Last evaluated: 2024-01-01. Review status: criteria provided, single submitter. Criteria: CeGaT Center For Human Genetics Tuebingen Variant Classification Criteria Version 2. Collection method: clinical testing. Allele origin: germline. Affected: yes. Observed: 1 variant allele.
Comment: KCNA2: PP2

NM_004974.4(KCNA2):c.440G>A (p.Arg147Lys)

Gene: KCNA2 (potassium voltage-gated channel subfamily A member 2; minus strand). Cytogenetic location: 1p13.3.
Variant type: single nucleotide variant.
Coding change: c.440G>A on transcript NM_004974.4 (MANE Select); coding-DNA position 440, G replaced by A.
Protein change: p.Arg147Lys; replaces arginine 147 with lysine.
Molecular consequence: missense variant.
Genome position (GRCh38, 1-based): chr1:110,604,343, C>T on the plus strand (G>A on the coding strand, the complement: KCNA2 is on the minus strand). VCF-style: chr1-110604343-C-T. GRCh37 (hg19) VCF-style: chr1-111146965-C-T.
Other names: c.440G>A, p.Arg147Lys (NM_001204269.2); short protein forms R147K.
Identifiers: ClinVar variation 3024946 (VCV003024946.22), dbSNP rs1406503449, ClinGen allele CA341605383.
Genomic context (GRCh38, chr1:110,604,343, plus strand): 5'-ATAGCTATAATCCTGGCAGGCCCTGAGCTCTCTGGGTATTCAAAGAGAAGCCACACTTGT[C>T]TCTGAAACTCATTTTCAGGCAGAGGACGCTCTTCCTCCTTGATGTAGCCTTCATCTTCCC-3'
Protein context (NP_004965.1, residues 137-157): ERPLPENEFQ[Arg147Lys]QVWLLFEYPE